The following is an entry in ClinVar:

ClinVar aggregate classification (germline): Conflicting classifications of pathogenicity. Review status: criteria provided, conflicting classifications (1 of 4 stars). 4 submissions from 4 submitters: Uncertain significance (3); Likely benign (1). Last evaluated 2025-11-27.

Conditions:
Progressive microcephaly-seizures-cortical blindness-developmental delay syndrome. Also called: Seizures, cortical blindness, and microcephaly syndrome. Identifiers: Orphanet 477814, MedGen C5567650, MONDO:0014714, OMIM 616632.
Autosomal dominant nonsyndromic hearing loss 1. Also called: KONIGSMARK SYNDROME; DEAFNESS, AUTOSOMAL DOMINANT 1, WITH OR WITHOUT THROMBOCYTOPENIA. Identifiers: Orphanet 90635, MedGen C1852282, MONDO:0007424, OMIM 124900.
Inborn genetic diseases. Identifiers: MedGen C0950123, MeSH D030342.

Allele frequency attached by ClinVar (database versions not stated): gnomAD 0.00005; gnomAD exomes 0.00005 and 0.00006; TOPMed 0.00005; ExAC 0.00007; ESP Exome Variant Server 0.00024.
gnomAD v4.1: 92 of 1,613,812 alleles (0.0057%); highest among the groups gnomAD compares: Middle Eastern, 0.016%; no homozygotes.

Submissions (4):

Labcorp Genetics (formerly Invitae), Labcorp
Classification: Uncertain significance for Progressive microcephaly-seizures-cortical blindness-developmental delay syndrome; Autosomal dominant nonsyndromic hearing loss 1. Last evaluated: 2025-11-27. Review status: criteria provided, single submitter. Criteria: Invitae Variant Classification Sherloc (09022015). Collection method: clinical testing. Allele origin: germline.
Comment: This sequence change replaces methionine, which is neutral and non-polar, with valine, which is neutral and non-polar, at codon 890 of the DIAPH1 protein (p.Met890Val). The frequency data for this variant in the population databases is considered unreliable, as metrics indicate poor data quality at this position in the gnomAD database. This variant has not been reported in the literature in individuals affected with DIAPH1-related conditions. ClinVar contains an entry for this variant (Variation ID: 574584). An algorithm developed to predict the effect of missense changes on protein structure and function (PolyPhen-2) suggests that this variant is likely to be tolerated. In summary, the available evidence is currently insufficient to determine the role of this variant in disease. Therefore, it has been classified as a Variant of Uncertain Significance.

GeneDx
Classification: Uncertain significance. Last evaluated: 2024-08-05. Review status: criteria provided, single submitter. Criteria: GeneDx Variant Classification Process June 2021. Collection method: clinical testing. Allele origin: germline. Affected: yes.
Comment: In silico analysis indicates that this missense variant does not alter protein structure/function; Has not been previously published as pathogenic or benign to our knowledge

Ambry Genetics
Classification: Likely benign for Inborn genetic diseases. Last evaluated: 2023-09-20. Review status: criteria provided, single submitter. Criteria: Ambry Variant Classification Scheme 2023. Collection method: clinical testing. Allele origin: germline.

Revvity Omics, Revvity
Classification: Uncertain significance. Last evaluated: 2019-05-13. Review status: criteria provided, single submitter. Criteria: ACMG Guidelines, 2015. Collection method: clinical testing. Allele origin: germline.

NM_005219.5(DIAPH1):c.2668A>G (p.Met890Val)

Gene: DIAPH1 (diaphanous related formin 1; minus strand). Cytogenetic location: 5q31.3.
Variant type: single nucleotide variant.
Coding change: c.2668A>G on transcript NM_005219.5 (MANE Select); coding-DNA position 2668, A replaced by G.
Protein change: p.Met890Val; replaces methionine 890 with valine.
Molecular consequence: missense variant.
Genome position (GRCh38, 1-based): chr5:141,529,611, T>C on the plus strand (A>G on the coding strand, the complement: DIAPH1 is on the minus strand). VCF-style: chr5-141529611-T-C. GRCh37 (hg19) VCF-style: chr5-140909178-T-C.
Other names: c.2641A>G, p.Met881Val (NM_001079812.3); c.2668A>G, p.Met890Val (NM_001314007.2); short protein forms M890V, M881V.
Identifiers: ClinVar variation 574584 (VCV000574584.13), dbSNP rs200251893, ClinGen allele CA3478988.